The following is an entry in ClinVar:

ClinVar aggregate classification (germline): Pathogenic. Review status: reviewed by expert panel (3 of 4 stars). 2 submissions from 2 submitters: Pathogenic (1). 1 of the submissions does not count toward it. Last evaluated 2026-09-26.

Conditions:
RPGR-related disorder. Also called: RPGR-related condition.
RPGR-related retinopathy. Also called: RPGR retinopathy. Identifiers: MedGen CN305589, MONDO:0100437.

Submissions (2):

ClinGen X-linked Inherited Retinal Disease Variant Curation Expert Panel, ClinGen
Classification: Pathogenic for RPGR-related retinopathy. Last evaluated: 2026-09-26. Review status: reviewed by expert panel. Criteria: ClinGen X LinkedIRD ACMG Specifications RPGR V1.0.0. Collection method: curation. Allele origin: germline. Inheritance: X-linked inheritance.
Comment: The NM_001034853.2(RPGR):c.934+1G>T variant is a canonical splice site variant in intron 8, located 1 nucleotide(s) after exon 8. This variant occurs at a canonical splice site in intron 8 and is predicted to disrupt splicing and induce skipping of exon 8, which is expected to disrupt a critical functional domain in RPGR (PVS1). This variant is absent from gnomAD v4.0.0 (PM2_Supporting). This variant has been reported in at least 2 apparently unrelated probands (PMID: 32037395 and 23372056 ). However, the number of individuals meeting the PS4 requirement of some functional vision impairment in affected males by age 30, with decreased or absent cone and/or rod ERG responses, was fewer than the requirement of at least 2 unrelated probands, so PS4_Supporting was not met. This variant is in the +/- 1,2 dinucleotide and meets the PVS1 (met), and another variant in the same donor +/-1,2 dinucleotide c.934+1G>A was previously classified as pathogenic for RPGR-related retinopathy by the ClinGen X-linked IRD VCEP (PS1_Supporting). In summary, this variant is classified as pathogenic for RPGR-related retinopathy based on the ClinGen X-linked Inherited Retinal Disease Expert Panel Specifications to the ACMG/AMP Variant Interpretation Guidelines for RPGR Version 1.0.0: PVS1, PS1_Suppoting, and PM2_Supporting.

Blueprint Genetics
Classification: Pathogenic for RPGR-related disorders. Last evaluated: 2018-12-05. Review status: criteria provided, single submitter. Criteria: ACMG Guidelines, 2015. Collection method: clinical testing. Allele origin: germline. Affected: yes. Observed: 1 variant allele. Not counted in ClinVar's aggregate classification.

NM_001034853.2(RPGR):c.934+1G>T

Gene: RPGR (retinitis pigmentosa GTPase regulator; minus strand). Cytogenetic location: Xp11.4.
Variant type: single nucleotide variant.
Coding change: c.934+1G>T on transcript NM_001034853.2 (MANE Select); the canonical splice donor site of the intron after coding-DNA position 934, G replaced by T.
Molecular consequence: splice donor variant.
Genome position (GRCh38, 1-based): chrX:38,304,634, C>A on the plus strand (G>T on the coding strand, the complement: RPGR is on the minus strand). VCF-style: chrX-38304634-C-A. GRCh37 (hg19) VCF-style: chrX-38163887-C-A.
Other names: c.934+1G>T (NM_000328.3, NM_001367251.1, NM_001367246.1 and 1 more transcripts); c.964+1G>T (NM_001367248.1); c.931+1G>T (NM_001367249.1, NM_001367250.1, NM_001367245.1).
Identifiers: ClinVar variation 865818 (VCV000865818.3), dbSNP rs62640592, ClinGen allele CA412741110.